The following is an entry in ClinVar:

ClinVar aggregate classification (germline): Likely pathogenic (1 of 4 stars; one submission).

Submission:

GeneDx
Classification: Likely pathogenic. Last evaluated: 2018-07-27. Review status: criteria provided, single submitter. Criteria: GeneDx Variant Classification (06012015). Collection method: clinical testing. Allele origin: germline. Affected: yes.
Comment: The c.1394delA variant in the PPP3CA gene has not been reported previously as a pathogenic variant nor as a benign variant, to our knowledge. The c.1394delA variant causes a frameshift starting with codon Histidine 465, changes this amino acid to a Leucine residue, and creates a premature Stop codon at position 12 of the new reading frame, denoted p.His465LeufsX12. This variant is predicted to cause loss of normal protein function through protein truncation. The c.1394delA variant is not observed in large population cohorts (Lek et al., 2016). We interpret c.1394delA as a likely pathogenic variant.

NM_000944.5(PPP3CA):c.1394del (p.His465fs)

Gene: PPP3CA (protein phosphatase 3 catalytic subunit alpha; minus strand). Cytogenetic location: 4q24.
Variant type: Deletion.
Coding change: c.1394del on transcript NM_000944.5 (MANE Select); coding-DNA position 1394, one base deleted (A; older notation c.1394delA).
Protein change: p.His465fs; shifts the reading frame from histidine 465.
Molecular consequence: frameshift variant.
Genome position (GRCh38, 1-based): chr4:101,026,037, T deleted on the plus strand (A on the coding strand, the reverse complement: PPP3CA is on the minus strand). VCF-style (leftmost placement, unchanged base first): chr4-101026036-AT-A. GRCh37 (hg19) VCF-style: chr4-101947193-AT-A.
Other names: c.1364del, p.His455fs (NM_001130691.2); c.1238del, p.His413fs (NM_001130692.2); short protein forms H413fs, H455fs, H465fs.
Identifiers: ClinVar variation 817143 (VCV000817143.1), dbSNP rs1578382902, ClinGen allele CA915943157.